The following is an entry in ClinVar:

NM_001130004.2(ACTN1):c.2111A>G (p.Lys704Arg)

Gene: ACTN1 (actinin alpha 1; minus strand). Cytogenetic location: 14q24.1.
Variant type: single nucleotide variant.
Coding change: c.2111A>G on transcript NM_001130004.2 (MANE Select); coding-DNA position 2111, A replaced by G.
Protein change: p.Lys704Arg; replaces lysine 704 with arginine.
Molecular consequence: missense variant.
Genome position (GRCh38, 1-based): chr14:68,880,832, T>C on the plus strand (A>G on the coding strand, the complement: ACTN1 is on the minus strand). VCF-style: chr14-68880832-T-C. GRCh37 (hg19) VCF-style: chr14-69347549-T-C.
Other names: c.2111A>G, p.Lys704Arg (NM_001130005.2, NM_001424012.1, NM_001424014.1 and 2 more transcripts); c.2135A>G, p.Lys712Arg (NM_001411035.1, NM_001424016.1); c.1916A>G, p.Lys639Arg (NM_001411036.1, NM_001424026.1, NM_001424028.1); c.2237A>G, p.Lys746Arg (NM_001424013.1); c.2198A>G, p.Lys733Arg (NM_001424015.1); c.2108A>G, p.Lys703Arg (NM_001424017.1); c.2072A>G, p.Lys691Arg (NM_001424018.1); c.1928A>G, p.Lys643Arg (NM_001424019.1, NM_001424024.1, NM_001424025.1 and 2 more transcripts); and 3 more; short protein forms K643R, K683R, K712R, K733R, K639R, K691R, K703R, K746R.
Identifiers: ClinVar variation 4759742 (VCV004759742.1).

ClinVar aggregate classification (germline): Uncertain significance (1 of 4 stars; one submission).

gnomAD v4.1: 4 of 1,614,132 alleles (0.00025%); highest among the groups gnomAD compares: African/African-American, 0.0053%; no homozygotes.

Submission:

Labcorp Genetics (formerly Invitae), Labcorp
Classification: Uncertain significance. Last evaluated: 2025-08-30. Review status: criteria provided, single submitter. Criteria: Invitae Variant Classification Sherloc (09022015). Collection method: clinical testing. Allele origin: germline.
Comment: This sequence change replaces lysine, which is basic and polar, with arginine, which is basic and polar, at codon 704 of the ACTN1 protein (p.Lys704Arg). This variant is present in population databases (rs763688743, gnomAD 0.03%). This variant has not been reported in the literature in individuals affected with ACTN1-related conditions. Invitae Evidence Modeling of protein sequence and biophysical properties (such as structural, functional, and spatial information, amino acid conservation, physicochemical variation, residue mobility, and thermodynamic stability) indicates that this missense variant is not expected to disrupt ACTN1 protein function with a negative predictive value of 80%. In summary, the available evidence is currently insufficient to determine the role of this variant in disease. Therefore, it has been classified as a Variant of Uncertain Significance.